The following is an entry in ClinVar:

NM_015102.5(NPHP4):c.4140+9G>T

Gene: NPHP4 (nephrocystin 4; minus strand). Cytogenetic location: 1p36.31.
Variant type: single nucleotide variant.
Coding change: c.4140+9G>T on transcript NM_015102.5 (MANE Select); 9 bases into the intron after coding-DNA position 4140, G replaced by T.
Molecular consequence: intron variant.
Genome position (GRCh38, 1-based): chr1:5,863,881, C>A on the plus strand (G>T on the coding strand, the complement: NPHP4 is on the minus strand). VCF-style: chr1-5863881-C-A. GRCh37 (hg19) VCF-style: chr1-5923941-C-A.
Other names: c.2604+9G>T (NM_001291594.2); c.2601+9G>T (NM_001291593.2); c.4140+9G>T (NM_015102.4).
Identifiers: ClinVar variation 3717463 (VCV003717463.3).

ClinVar aggregate classification (germline): Likely benign. Review status: criteria provided, multiple submitters, no conflicts (2 of 4 stars). 2 submissions from 2 submitters: Likely benign (2). Last evaluated 2025-11-30.

Conditions:
Nephronophthisis. Also called: Juvenile Nephronophthisis. Identifiers: Orphanet 655, MedGen C0687120, MONDO:0019005, HP:0000090.
NPHP4-related disorder. Also called: NPHP4-related condition; NPHP4-related disorders. Identifiers: MedGen CN239384.

gnomAD v4.1: 1 of 1,613,762 alleles (0.000062%); no homozygotes.

Submissions (2):

PreventionGenetics, part of Exact Sciences
Classification: Likely benign for NPHP4-related condition. Last evaluated: 2025-11-30. Review status: criteria provided, single submitter. Criteria: ACMG Guidelines, 2015. Collection method: clinical testing. Allele origin: germline.
Comment: This variant is classified as likely benign based on ACMG/AMP sequence variant interpretation guidelines (Richards et al. 2015 PMID: 25741868, with internal and published modifications).

Labcorp Genetics (formerly Invitae), Labcorp
Classification: Likely benign for Nephronophthisis. Last evaluated: 2024-09-22. Review status: criteria provided, single submitter. Criteria: Invitae Variant Classification Sherloc (09022015). Collection method: clinical testing. Allele origin: germline.